The following is an entry in ClinVar:

ClinVar aggregate classification (germline): Uncertain significance. Review status: criteria provided, single submitter (1 of 4 stars). 2 submissions from 2 submitters: Uncertain significance (1). 1 of the submissions does not count toward it. Last evaluated 2022-07-14.

Conditions:
CASP10-related disorder. Also called: CASP10-related condition.

Allele frequency attached by ClinVar (database versions not stated): ExAC 0.00002; gnomAD 0.00001.
gnomAD v4.1: 33 of 1,614,086 alleles (0.002%); highest among the groups gnomAD compares: Middle Eastern, 0.31%; no homozygotes.

Submissions (2):

Blueprint Genetics
Classification: Uncertain significance. Last evaluated: 2022-07-14. Review status: criteria provided, single submitter. Criteria: ACMG Guidelines, 2015. Collection method: clinical testing. Allele origin: germline.

PreventionGenetics, part of Exact Sciences
Classification: Uncertain significance for CASP10-related condition. Last evaluated: 2024-03-05. Review status: no assertion criteria provided. Collection method: clinical testing. Allele origin: germline. Not counted in ClinVar's aggregate classification.
Comment: The CASP10 c.1414C>G variant is predicted to result in the amino acid substitution p.Arg472Gly. To our knowledge, this variant has not been reported in the literature. This variant is reported in 0.0023% of alleles in individuals of European (Non-Finnish) descent in gnomAD. At this time, the clinical significance of this variant is uncertain due to the absence of conclusive functional and genetic evidence.

NM_001206542.2(CASP10):c.1414C>G (p.Arg472Gly)

Gene: CASP10 (caspase 10; plus strand). Cytogenetic location: 2q33.1.
Variant type: single nucleotide variant.
Coding change: c.1414C>G on transcript NM_001206542.2; coding-DNA position 1414, C replaced by G.
Protein change: p.Arg472Gly; replaces arginine 472 with glycine.
Molecular consequence: missense variant.
Genome position (GRCh38, 1-based): chr2:201,229,060, C>G. VCF-style: chr2-201229060-C-G. GRCh37 (hg19) VCF-style: chr2-202093783-C-G.
Other names: c.1543C>G, p.Arg515Gly (NM_032974.5); short protein forms R472G, R515G.
Identifiers: ClinVar variation 2635032 (VCV002635032.3), dbSNP rs770218906, ClinGen allele CA2053354.
Genomic context (GRCh38, chr2:201,229,060, plus strand): 5'-CAGATCTCAGCAACCTCCCTGCCCACGGCCATCTCTGCGCAGACACCTCGACCCCCCATG[C>G]GCAGGTGGAGCAGCGTTTCCTAGTTCTTTCCAGAGGCTTCCTTCTGCCTGCCTTCCAGCC-3'